The following is an entry in ClinVar:

NM_001278716.2(FBXL4):c.417_418insA (p.Val140fs)

Gene: FBXL4 (F-box and leucine rich repeat protein 4; minus strand). Cytogenetic location: 6q16.2.
Variant type: Insertion.
Coding change: c.417_418insA on transcript NM_001278716.2 (MANE Select); coding-DNA positions 417 to 418, A inserted.
Protein change: p.Val140fs; shifts the reading frame from valine 140.
Molecular consequence: frameshift variant. On other transcripts: non-coding transcript variant (2).
Genome position: GRCh38 VCF-style: chr6-98926571-C-CT. GRCh37 (hg19) VCF-style: chr6-99374447-C-CT.
Other names: c.417_418insA, p.Val140fs (NM_012160.5); short protein forms V140fs.
Identifiers: ClinVar variation 437575 (VCV000437575.1), dbSNP rs761902417, ClinGen allele CA3933690.

ClinVar aggregate classification (germline): Likely pathogenic (1 of 4 stars; one submission).

Conditions:
Mitochondrial DNA depletion syndrome 13. Also called: FBXL4-Related Encephalomyopathic Mitochondrial DNA Depletion Syndrome; Mitochondrial DNA depletion syndrome 13 (encephalomyopathic type). Identifiers: Orphanet 369897, MedGen C3809592, MONDO:0014198, OMIM 615471.

Allele frequency attached by ClinVar (database versions not stated): gnomAD exomes below 0.00001; ExAC 0.00001.

Submission:

Wong Mito Lab, Molecular and Human Genetics, Baylor College of Medicine
Classification: Likely pathogenic for Mitochondrial DNA depletion syndrome 13. Last evaluated: 2017-08-10. Review status: criteria provided, single submitter. Criteria: ACMG Guidelines, 2015. Collection method: reference population. Allele origin: germline.
Comment: The NM_012160.4:c.417_418insA (NP_036292.2:p.Val140SerfsTer14) [GRCH38: NC_000006.12:g.98926571_98926572insT] variant in FBXL4 gene is interpretated to be a Likely Pathogenic based on ACMG guidelines (PMID: 25741868). This variant meets one or more of the following evidence codes reported in the ACMG-guideline. PVS1:This variant is a predcted null variant in FBXL4 where loss of function is a known mechanism of disease. PM2:This variant is absent in key population databases. Based on this evidence code ClinGen Pathogenicity Calculator (PMID:28081714) suggested that the variant is Likely Pathogenic.